The following is an entry in ClinVar:

NM_024928.5(STN1):c.392C>T (p.Thr131Met)

Gene: STN1 (STN1 subunit of CST complex; minus strand). Cytogenetic location: 10q24.33.
Variant type: single nucleotide variant.
Coding change: c.392C>T on transcript NM_024928.5 (MANE Select); coding-DNA position 392, C replaced by T.
Protein change: p.Thr131Met; replaces threonine 131 with methionine.
Molecular consequence: missense variant.
Genome position (GRCh38, 1-based): chr10:103,900,127, G>A on the plus strand (C>T on the coding strand, the complement: STN1 is on the minus strand). VCF-style: chr10-103900127-G-A. GRCh37 (hg19) VCF-style: chr10-105659885-G-A.
Other names: short protein forms T131M.
Identifiers: ClinVar variation 747072 (VCV000747072.10), dbSNP rs772697510, ClinGen allele CA5676630.
Genomic context (GRCh38, chr10:103,900,127, plus strand): 5'-GTGGTGGCATGAATCTCTCGCTCTTCTCTGTATGTGCGGATACTGCCTCTGACTCGGATC[G>A]TGTCCCCGATCTCTATCTTTGTTTTCTGCTCAATGGTCTCTTGTAGCTTCTTAAGTTGTG-3'
Protein context (NP_079204.2, residues 121-141): EQKTKIEIGD[Thr131Met]IRVRGSIRTY

ClinVar aggregate classification (germline): Likely benign. Review status: criteria provided, single submitter (1 of 4 stars). 2 submissions from 2 submitters: Likely benign (1). 1 of the submissions does not count toward it. Last evaluated 2025-12-15.

Conditions:
STN1-related disorder. Also called: STN1-related condition.

Allele frequency attached by ClinVar (database versions not stated): gnomAD 0.00006 and 0.00007; gnomAD exomes 0.00009 and 0.00045; TOPMed 0.00016; ExAC 0.00035.
gnomAD v4.1: 143 of 1,614,140 alleles (0.0089%); highest among the groups gnomAD compares: Admixed American, 0.2%; 1 homozygote.

Submissions (2):

Labcorp Genetics (formerly Invitae), Labcorp
Classification: Likely benign. Last evaluated: 2025-12-15. Review status: criteria provided, single submitter. Criteria: Invitae Variant Classification Sherloc (09022015). Collection method: clinical testing. Allele origin: germline.

PreventionGenetics, part of Exact Sciences
Classification: Likely benign for STN1-related condition. Last evaluated: 2023-01-24. Review status: no assertion criteria provided. Collection method: clinical testing. Allele origin: germline. Not counted in ClinVar's aggregate classification.
Comment: This variant is classified as likely benign based on ACMG/AMP sequence variant interpretation guidelines (Richards et al. 2015 PMID: 25741868, with internal and published modifications).